The following is an entry in ClinVar:

NM_000492.4(CFTR):c.2856G>A (p.Met952Ile)

Gene: CFTR (CF transmembrane conductance regulator; plus strand). Cytogenetic location: 7q31.2.
Variant type: single nucleotide variant.
Coding change: c.2856G>A on transcript NM_000492.4 (MANE Select); coding-DNA position 2856, G replaced by A.
Protein change: p.Met952Ile; replaces methionine 952 with isoleucine.
Molecular consequence: missense variant.
Genome position (GRCh38, 1-based): chr7:117,603,730, G>A. VCF-style: chr7-117603730-G-A. GRCh37 (hg19) VCF-style: chr7-117243784-G-A.
Other names: p.Met952Ile; short protein forms M952I.
Identifiers: ClinVar variation 596906 (VCV000596906.38), dbSNP rs151048781, ClinGen allele CA4451300.

ClinVar aggregate classification (germline): Conflicting classifications of pathogenicity. Review status: criteria provided, conflicting classifications (1 of 4 stars). 11 submissions from 11 submitters: Pathogenic (4); Likely pathogenic (2); Uncertain significance (4); Likely benign (1). Last evaluated 2026-01-29.

Conditions:
Congenital bilateral aplasia of vas deferens from CFTR mutation (CBAVD). Identifiers: Orphanet 48, MedGen C0403814, MONDO:0010178, OMIM 277180. Disease mechanism: loss of function.
Cystic fibrosis (CF). Also called: MUCOVISCIDOSIS. Identifiers: Orphanet 586, MedGen C0010674, MONDO:0009061, OMIM 219700. Disease mechanism: loss of function.
CFTR-related disorder (CFTR-RD). Also called: CFTR-related condition; CFTR-related disorders. Identifiers: MedGen C5924204, MONDO:7770004.
Bronchiectasis with or without elevated sweat chloride 1 (BESC1). Also called: Cystic Fibrosis-Like Syndrome. Identifiers: Orphanet 60033, MedGen C2749757, MONDO:0008887, OMIM 211400.
Hereditary pancreatitis (PCTT). Also called: PRSS1-Related Hereditary Pancreatitis; Hereditary chronic pancreatitis. Identifiers: Orphanet 676, MedGen C0238339, MONDO:0008185, OMIM 167800.

Allele frequency attached by ClinVar (database versions not stated): TOPMed 0.00001.
gnomAD v4.1: 25 of 1,614,016 alleles (0.0015%); highest among the groups gnomAD compares: Admixed American, 0.032%; 1 homozygote.

Submissions 1 to 8 of 11:

Labcorp Genetics (formerly Invitae), Labcorp
Classification: Pathogenic for Cystic fibrosis. Last evaluated: 2026-01-29. Review status: criteria provided, single submitter. Criteria: Invitae Variant Classification Sherloc (09022015). Collection method: clinical testing. Allele origin: germline.
Comment: This sequence change replaces methionine, which is neutral and non-polar, with isoleucine, which is neutral and non-polar, at codon 952 of the CFTR protein (p.Met952Ile). This variant is present in population databases (rs151048781, gnomAD 0.04%). This missense change has been observed in individual(s) with congenital bilateral absence of the vas deferens or cystic fibrosis (PMID: 10200050, 15070876, 15287992, 16272798, 16980811, 21520337, 23276700). In at least one individual the data is consistent with being in trans (on the opposite chromosome) from a pathogenic variant. ClinVar contains an entry for this variant (Variation ID: 596906). Invitae Evidence Modeling of protein sequence and biophysical properties (such as structural, functional, and spatial information, amino acid conservation, physicochemical variation, residue mobility, and thermodynamic stability) indicates that this missense variant is expected to disrupt CFTR protein function with a positive predictive value of 80%. This variant disrupts the p.Met952 amino acid residue in CFTR. Other variant(s) that disrupt this residue have been observed in individuals with CFTR-related conditions (PMID: 10875853), which suggests that this may be a clinically significant amino acid residue. For these reasons, this variant has been classified as Pathogenic.

PreventionGenetics, part of Exact Sciences
Classification: Uncertain significance for CFTR-related condition. Last evaluated: 2025-06-04. Review status: criteria provided, single submitter. Criteria: ACMG Guidelines, 2015. Collection method: clinical testing. Allele origin: germline.
Comment: The CFTR c.2856G>A variant is predicted to result in the amino acid substitution p.Met952Ile. To our knowledge, this exact nucleotide substitution has not been reported in the literature. However, an alternative nucleotide substitution at this position resulting in the same missense change, described as c.2856G>C (p.Met952Ile), has been frequently reported in association with CFTR-related disorders, such as congenital bilateral absence of the vas deferens (CBAVD) and idiopathic chronic pancreatitis (Castellani et al. 2008. PubMed ID: 18456578; Gallati et al. 2009. PubMed ID: 20021716; Steiner et al. 2011. PubMed ID: 21520337, table S5; Keiles and Kammesheidt. 2006. PubMed ID: 17003641; CFTR-France >C). Many publications report only the missense change and do not differentiate between these variants at the nucleotide level. No additional studies were performed to help assess the pathogenicity of this missense change. This variant is reported in 0.041% of alleles in individuals of Latino descent in gnomAD. Although we suspect that this variant may be pathogenic, at this time, the clinical significance of this variant is uncertain due to the absence of conclusive functional and genetic evidence.

Johns Hopkins Genomics, Johns Hopkins University
Classification: Likely benign for Cystic fibrosis. Last evaluated: 2025-04-07. Review status: criteria provided, single submitter. Criteria: ACMG Guidelines, 2015. Collection method: clinical testing. Allele origin: germline.
Comment: This variant is classified as likely benign (PM2, PP5, BS2_supporting, BP6).

Ambry Genetics
Classification: Likely pathogenic for Cystic fibrosis. Last evaluated: 2025-01-16. Review status: criteria provided, single submitter. Criteria: Ambry Variant Classification Scheme 2023. Collection method: clinical testing. Allele origin: germline.
Comment: The p.M952I variant (also known as c.2856G>A), located in coding exon 17 of the CFTR gene, results from a G to A substitution at nucleotide position 2856. The methionine at codon 952 is replaced by isoleucine, an amino acid with highly similar properties. CFTR p.M952I (c.2586G>A or c.2586G>C) was originally identified in an individual with severe pulmonary disease, pancreatic insufficiency, and an elevated sweat chloride level; a second CFTR alteration was not identified (Desgeorges M et al. Hum. Genet., 1997 Aug;100:279-83). This variant was also detected in conjunction with pathogenic CFTR mutations in individuals with idiopathic chronic pancreatitis and congenital bilateral absence of the vas deferens (CBAVD) (Uzun S et al. Tohoku J. Exp. Med., 2005 Dec;207:279-85; Ratbi I et al. Hum. Reprod. 2007;22(5):1285-91; Steiner B et al. Hum. Mutat. 2011 Aug;32(8):912-20; Akinsal EC et al. Andrologia, 2018 Feb; Rudnik-Sch&ouml;neborn S et al. Hum Reprod, 2021 02;36:551-559). This amino acid position is highly conserved in available vertebrate species. In addition, this alteration is predicted to be deleterious by in silico analysis. Based on available evidence to date, this variant is unlikely to be causative of classic cystic fibrosis; however, it likely contributes to the development of a CFTR-related disorder. This alteration is thus classified as likely pathogenic.

GeneDx
Classification: Uncertain significance. Last evaluated: 2024-07-19. Review status: criteria provided, single submitter. Criteria: GeneDx Variant Classification Process June 2021. Collection method: clinical testing. Allele origin: germline. Affected: yes.
Comment: CFTR c.2856G>A has not been previously published as pathogenic or benign to our knowledge; In silico analysis indicates that this missense variant does not alter protein structure/function; p.(M952I), nucleotide change not specified, has been observed in individuals with inconclusive diagnoses or CFTR-related metabolic syndrome identified subsequent to newborn screening, congenital absence of the vas deferens, and cystic fibrosis, including an individual with a positive sweat chloride test and two additional CFTR variants reported (PMID: 28544683, 16980811, 31005549, 21520337, 28603918, 20100616, 16272798, 33374015, Turkyilmaz and Yarali, 2021); This variant is associated with the following publications: (PMID: 20977904, 10875853, 17003641, 14551163, 34949556, 27026144, Sorrentino(2024)_article, 28544683, 16980811, 31005549, 21520337, 28603918, 20100616, 16272798, 33374015, Turkyilmaz2021[CaseReport])

Fulgent Genetics
Classification: Pathogenic for Hereditary pancreatitis; Bronchiectasis with or without elevated sweat chloride 1; Cystic fibrosis; Congenital bilateral aplasia of vas deferens from CFTR mutation. Last evaluated: 2024-02-21. Review status: criteria provided, single submitter. Criteria: ACMG Guidelines, 2015. Collection method: clinical testing. Allele origin: germline.

Mayo Clinic Laboratories, Mayo Clinic
Classification: Uncertain significance. Last evaluated: 2023-09-29. Review status: criteria provided, single submitter. Criteria: ACMG Guidelines, 2015. Collection method: clinical testing. Allele origin: germline. Observed: 1 variant allele.
Comment: PP3, PM2_moderate, PS1_moderate

Department of Pathology and Laboratory Medicine, Sinai Health System
Classification: Pathogenic for cystic fibrosis. Last evaluated: 2022-02-10. Review status: criteria provided, single submitter. Criteria: ACMG Guidelines, 2015. Collection method: research. Allele origin: germline.